The following is an entry in ClinVar:

NM_016008.4(DYNC2LI1):c.239A>G (p.Asp80Gly)

Gene: DYNC2LI1 (dynein cytoplasmic 2 light intermediate chain 1; plus strand). Cytogenetic location: 2p21.
Variant type: single nucleotide variant.
Coding change: c.239A>G on transcript NM_016008.4 (MANE Select); coding-DNA position 239, A replaced by G.
Protein change: p.Asp80Gly; replaces aspartic acid 80 with glycine.
Molecular consequence: missense variant.
Genome position (GRCh38, 1-based): chr2:43,789,640, A>G. VCF-style: chr2-43789640-A-G. GRCh37 (hg19) VCF-style: chr2-44016779-A-G.
Other names: c.239A>G, p.Asp80Gly (NM_001193464.2, NM_001348912.2, NM_001348913.2 and 1 more transcripts); short protein forms D80G.
Identifiers: ClinVar variation 2094011 (VCV002094011.4), dbSNP rs748116445, ClinGen allele CA1635757.

ClinVar aggregate classification (germline): Uncertain significance (1 of 4 stars; one submission).

Allele frequency attached by ClinVar (database versions not stated): gnomAD exomes below 0.00001; ExAC 0.00002.
gnomAD v4.1: 6 of 1,613,682 alleles (0.00037%); highest among the groups gnomAD compares: South Asian, 0.0011%; no homozygotes.

Submission:

Labcorp Genetics (formerly Invitae), Labcorp
Classification: Uncertain significance. Last evaluated: 2022-11-01. Review status: criteria provided, single submitter. Criteria: Invitae Variant Classification Sherloc (09022015). Collection method: clinical testing. Allele origin: germline.
Comment: This sequence change replaces aspartic acid, which is acidic and polar, with glycine, which is neutral and non-polar, at codon 80 of the DYNC2LI1 protein (p.Asp80Gly). This variant is present in population databases (rs748116445, gnomAD 0.003%). This variant has not been reported in the literature in individuals affected with DYNC2LI1-related conditions. Algorithms developed to predict the effect of missense changes on protein structure and function are either unavailable or do not agree on the potential impact of this missense change (SIFT: "Deleterious"; PolyPhen-2: "Probably Damaging"; Align-GVGD: "Class C0"). In summary, the available evidence is currently insufficient to determine the role of this variant in disease. Therefore, it has been classified as a Variant of Uncertain Significance.